The following is an entry in ClinVar:

NM_005585.5(SMAD6):c.997A>T (p.Ser333Cys)

Gene: SMAD6 (SMAD family member 6; plus strand). Cytogenetic location: 15q22.31.
Variant type: single nucleotide variant.
Coding change: c.997A>T on transcript NM_005585.5 (MANE Select); coding-DNA position 997, A replaced by T.
Protein change: p.Ser333Cys; replaces serine 333 with cysteine.
Molecular consequence: missense variant. On other transcripts: non-coding transcript variant (1).
Genome position (GRCh38, 1-based): chr15:66,781,041, A>T. VCF-style: chr15-66781041-A-T. GRCh37 (hg19) VCF-style: chr15-67073379-A-T.
Other names: short protein forms S333C.
Identifiers: ClinVar variation 4864718 (VCV004864718.1).

ClinVar aggregate classification (germline): Uncertain significance (1 of 4 stars; one submission).

Conditions:
Inborn genetic diseases. Identifiers: MedGen C0950123, MeSH D030342.

Submission:

Ambry Genetics
Classification: Uncertain significance for Inborn genetic diseases. Last evaluated: 2026-04-23. Review status: criteria provided, single submitter. Criteria: Ambry Variant Classification Scheme 2023. Collection method: clinical testing. Allele origin: germline.
Comment: The p.S333C variant (also known as c.997A>T), located in coding exon 4 of the SMAD6 gene, results from an A to T substitution at nucleotide position 997. The serine at codon 333 is replaced by cysteine, an amino acid with dissimilar properties. This amino acid position is conserved. In addition, this alteration is predicted to be deleterious by in silico analysis. Based on the available evidence, the clinical significance of this variant remains unclear.